The following is an entry in ClinVar:

NM_024422.6(DSC2):c.677C>T (p.Pro226Leu)

Gene: DSC2 (desmocollin 2; minus strand). Cytogenetic location: 18q12.1.
Variant type: single nucleotide variant.
Coding change: c.677C>T on transcript NM_024422.6 (MANE Select); coding-DNA position 677, C replaced by T.
Protein change: p.Pro226Leu; replaces proline 226 with leucine.
Molecular consequence: missense variant.
Genome position (GRCh38, 1-based): chr18:31,087,767, G>A on the plus strand (C>T on the coding strand, the complement: DSC2 is on the minus strand). VCF-style: chr18-31087767-G-A. GRCh37 (hg19) VCF-style: chr18-28667730-G-A.
Other names: c.248C>T, p.Pro83Leu (NM_001406506.1, NM_001406507.1); c.677C>T, p.Pro226Leu (NM_004949.5); c.677C>T (NM_024422.3); short protein forms P226L, P83L.
Identifiers: ClinVar variation 3069752 (VCV003069752.2), dbSNP rs1987452903, ClinGen allele CA402112988.
Genomic context (GRCh38, chr18:31,087,767, plus strand): 5'-TCTTCTGTAAAAATTGGGTAGTTATCATTTTCATCCTCTATTTTGATTATTAGGGGCAGT[G>A]GAAGTTCTGGAGTATACCCATCTGGAGTTGTTGCAAAGGCAATTATCTGTGAAGAGAGTA-3'
Protein context (NP_077740.1, residues 216-236): TTPDGYTPEL[Pro226Leu]LPLIIKIEDE

ClinVar aggregate classification (germline): Uncertain significance. Review status: criteria provided, multiple submitters, no conflicts (2 of 4 stars). 2 submissions from 2 submitters: Uncertain significance (2). Last evaluated 2025-03-14.

Conditions:
Familial isolated arrhythmogenic right ventricular dysplasia. Identifiers: Orphanet 217656, MedGen C4274968, MONDO:0016342.

gnomAD v4.1: 2 of 1,613,786 alleles (0.00012%); highest among the groups gnomAD compares: Non-Finnish European, 0.000085%; no homozygotes.

Submissions (2):

GeneDx
Classification: Uncertain significance. Last evaluated: 2025-03-14. Review status: criteria provided, single submitter. Criteria: GeneDx Variant Classification Process June 2021. Collection method: clinical testing. Allele origin: germline. Affected: yes.

All of Us Research Program, National Institutes of Health
Classification: Uncertain significance for Familial isolated arrhythmogenic right ventricular dysplasia. Last evaluated: 2023-03-07. Review status: criteria provided, single submitter. Criteria: ACMG Guidelines, 2015. Collection method: clinical testing. Allele origin: germline. Inheritance: Autosomal dominant inheritance. Observed: 1 variant allele, 1 heterozygote.
Comment: This missense variant replaces proline with leucine at codon 226 of the DSC2 protein. Computational prediction suggests that this variant may not impact protein structure and function (internally defined REVEL score threshold <= 0.5, PMID: 27666373). To our knowledge, functional studies have not been reported for this variant. This variant has not been reported in individuals affected with DSC2-related disorders in the literature. This variant has not been identified in the general population by the Genome Aggregation Database (gnomAD). The available evidence is insufficient to determine the role of this variant in disease conclusively. Therefore, this variant is classified as a Variant of Uncertain Significance.

This study involves interpretation of variants in research participants for the purpose of population health screening. Participant phenotype was not available at the time of variant classification. Additional details can be found in publication PMID: 35346344, PMCID: PMC8962531